The following is an entry in ClinVar:

NM_005612.5(REST):c.2865_2866del (p.Asn958fs)

Gene: REST (RE1 silencing transcription factor; plus strand). Cytogenetic location: 4q12.
Variant type: Deletion.
Coding change: c.2865_2866del on transcript NM_005612.5 (MANE Select); coding-DNA positions 2865 to 2866, 2 bases deleted (AA; older notation c.2865_2866delAA).
Protein change: p.Asn958fs; shifts the reading frame from asparagine 958.
Molecular consequence: frameshift variant.
Genome position (GRCh38, 1-based): chr4:56,931,723-56,931,724, AA deleted. VCF-style (leftmost placement, unchanged base first): chr4-56931722-CAA-C. GRCh37 (hg19) VCF-style: chr4-57797888-CAA-C.
Other names: c.2865_2866delAA (NM_005612.4); c.2865_2866del (NM_005612.4); c.2865_2866delAA, p.Asn958Serfs (NM_001193508.2, NM_001363453.3); short protein forms N958fs.
Identifiers: ClinVar variation 427771 (VCV000427771.7), dbSNP rs1553904481, ClinGen allele CA645372751.
Genomic context (GRCh38, chr4:56,931,722, plus strand): 5'-ATGGTAAACATCAGACTGACAGTATAGTTTGTGAAATGAAAATGGACACTGATCAGAACA[CAA>C]GAGAGAATCTCACTGGTATAAATTCAACAGTTGAAGAACCAGTTTCACCAATGCTTCCCC-3'

ClinVar aggregate classification (germline): Conflicting classifications of pathogenicity. Review status: criteria provided, conflicting classifications (1 of 4 stars). 4 submissions from 4 submitters: Likely pathogenic (2); Uncertain significance (1). 1 of the submissions does not count toward it. Last evaluated 2025-07-03.

Conditions:
Fibromatosis, gingival, 5. Also called: FIBROMATOSIS, GINGIVAL, HEREDITARY, 5. Identifiers: MedGen C4539942, MONDO:0033493, OMIM 617626.
Fibromatosis, gingival, 1 (GINGF1). Identifiers: Orphanet 2024, MedGen C4551558, MONDO:0007609, OMIM 135300.

Submissions (4):

GeneDx
Classification: Likely pathogenic. Last evaluated: 2025-07-03. Review status: criteria provided, single submitter. Criteria: GeneDx Variant Classification Process June 2021. Collection method: clinical testing. Allele origin: germline. Affected: yes.
Comment: Frameshift variant predicted to result in abnormal protein length as the last 140 amino acids are replaced with 8 different amino acids; Not observed at significant frequency in large population cohorts (gnomAD); This variant is associated with the following publications: (PMID: 33719663, 28686854)

Labcorp Genetics (formerly Invitae), Labcorp
Classification: Uncertain significance. Last evaluated: 2021-02-19. Review status: criteria provided, single submitter. Criteria: Invitae Variant Classification Sherloc (09022015). Collection method: clinical testing. Allele origin: germline.
Comment: In summary, the available evidence is currently insufficient to determine the role of this variant in disease. Therefore, it has been classified as a Variant of Uncertain Significance. Experimental studies and prediction algorithms are not available or were not evaluated, and the functional significance of this variant is currently unknown. This variant has been observed in individual(s) with gingival fibromatosis (PMID: 28686854). ClinVar contains an entry for this variant (Variation ID: 427771). This variant is not present in population databases (ExAC no frequency). This sequence change creates a premature translational stop signal (p.Asn958Serfs*9) in the REST gene. While this is not anticipated to result in nonsense mediated decay, it is expected to disrupt the last 140 amino acid(s) of the REST protein.

Lupski Lab, Baylor-Hopkins CMG, Baylor College of Medicine
Classification: Likely pathogenic for Fibromatosis, gingival, 1. Last evaluated: 2017-05-01. Review status: criteria provided, single submitter. Criteria: Bayram et al. (Am J Hum Genet. 2017). Collection method: research. Allele origin: inherited. Inheritance: Autosomal dominant inheritance. Affected: yes.

OMIM
Classification: Pathogenic for FIBROMATOSIS, GINGIVAL, 5. Last evaluated: 2017-08-15. Review status: no assertion criteria provided. Collection method: literature only. Allele origin: germline. Not counted in ClinVar's aggregate classification.

Literature cited by the submitters: PubMed 28686854 (cited by Labcorp Genetics (formerly Invitae), Labcorp and OMIM).